The following is an entry in ClinVar:

NM_001267550.2(TTN):c.68899_68903del (p.Asn22967fs)

Genes: TTN (titin; minus strand), TTN-AS1 (TTN antisense RNA 1; plus strand). Cytogenetic location: 2q31.2.
Variant type: Deletion.
Coding change: c.68899_68903del on transcript NM_001267550.2 (MANE Select); coding-DNA positions 68899 to 68903, 5 bases deleted (AATGC; older notation c.68899_68903delAATGC).
Protein change: p.Asn22967fs; shifts the reading frame from asparagine 22967.
Molecular consequence: frameshift variant.
Genome position (GRCh38, 1-based): chr2:178,577,432-178,577,436, GCATT deleted on the plus strand (AATGC on the coding strand, the reverse complement: TTN is on the minus strand). VCF-style (leftmost placement, unchanged base first): chr2-178577431-GGCATT-G. GRCh37 (hg19) VCF-style: chr2-179442158-GGCATT-G.
Other names: c.63976_63980del, p.Asn21326fs (NM_001256850.1); c.41704_41708del, p.Asn13902fs (NM_003319.4); c.61195_61199del, p.Asn20399fs (NM_133378.4); c.42079_42083del, p.Asn14027fs (NM_133432.3); c.42280_42284del, p.Asn14094fs (NM_133437.4); short protein forms N13902fs, N14027fs, N14094fs, N20399fs, N21326fs, N22967fs.
Identifiers: ClinVar variation 3756344 (VCV003756344.2).

ClinVar aggregate classification (germline): Likely pathogenic (1 of 4 stars; one submission).

Conditions:
Dilated cardiomyopathy 1G (CMD1G). Identifiers: Orphanet 154, MedGen C1858763, MONDO:0011400, OMIM 604145.
Autosomal recessive limb-girdle muscular dystrophy type 2J (LGMDR10). Also called: Limb-girdle muscular dystrophy, type 2J; MUSCULAR DYSTROPHY, LIMB-GIRDLE, AUTOSOMAL RECESSIVE 10. Identifiers: Orphanet 140922, MedGen C1837342, MONDO:0012127, OMIM 608807.

Submission:

Labcorp Genetics (formerly Invitae), Labcorp
Classification: Likely pathogenic for Dilated cardiomyopathy 1G; Autosomal recessive limb-girdle muscular dystrophy type 2J. Last evaluated: 2024-05-14. Review status: criteria provided, single submitter. Criteria: Invitae Variant Classification Sherloc (09022015). Collection method: clinical testing. Allele origin: germline.
Comment: This sequence change creates a premature translational stop signal (p.Asn22967Hisfs*2) in the TTN gene. While this is not anticipated to result in nonsense mediated decay, it is expected to create a truncated TTN protein. This variant is not present in population databases (gnomAD no frequency). This variant has not been reported in the literature in individuals affected with TTN-related conditions. This variant is located in the A band of TTN (PMID: 25589632). Truncating variants in this region are significantly overrepresented in patients affected with dilated cardiomyopathy (PMID: 25589632). Truncating variants in this region have also been reported in individuals affected with autosomal recessive centronuclear myopathy (PMID: 23975875). In summary, the currently available evidence indicates that the variant is pathogenic, but additional data are needed to prove that conclusively. Therefore, this variant has been classified as Likely Pathogenic.

Literature cited by the submitters: PubMed 25589632; PubMed 23975875.